The following is an entry in ClinVar:

ClinVar aggregate classification (germline): Pathogenic. Review status: criteria provided, multiple submitters, no conflicts (2 of 4 stars). 12 submissions from 12 submitters: Pathogenic (11). 1 of the submissions does not count toward it. Last evaluated 2026-04-09.

Conditions:
Inherited ovarian cancer (without breast cancer).
Fanconi anemia complementation group O. Also called: RAD51C-Related Fanconi Anemia. Identifiers: Orphanet 84, MedGen C3150653, MONDO:0013248, OMIM 613390.
Breast-ovarian cancer, familial, susceptibility to, 3. Also called: RAD51C-Related Breast/Ovarian Cancer. Identifiers: Orphanet 145, MedGen C3150659, MONDO:0013253, OMIM 613399.
Hereditary cancer-predisposing syndrome. Also called: Hereditary neoplastic syndrome; Tumor predisposition; Neoplastic Syndromes, Hereditary; Hereditary Cancer Syndrome. Identifiers: Orphanet 140162, MedGen C0027672, MeSH D009386, MONDO:0015356.
Malignant tumor of breast. Also called: Malignant breast neoplasm; Cancer breast. Identifiers: MedGen C0006142, MONDO:0007254. Disease mechanism: loss of function.

Submissions (12):

Genetics Laboratory, Great Ormond Street Hospital NHS Foundation Trust, North Thames Genomic Laboratory Hub
Classification: Pathogenic for Inherited ovarian cancer (without breast cancer). Last evaluated: 2026-04-09. Review status: criteria provided, single submitter. Criteria: CanVIG RAD51CD Gene Specific V1.2. Collection method: clinical testing. Allele origin: germline. Affected: yes.
Comment: PM2_supporting, PVS1_very-strong, PM5_supporting

Labcorp Genetics (formerly Invitae), Labcorp
Classification: Pathogenic for Fanconi anemia complementation group O. Last evaluated: 2026-01-19. Review status: criteria provided, single submitter. Criteria: Invitae Variant Classification Sherloc (09022015). Collection method: clinical testing. Allele origin: germline.
Comment: This sequence change creates a premature translational stop signal (p.Thr132Asnfs*23) in the RAD51C gene. It is expected to result in an absent or disrupted protein product. Loss-of-function variants in RAD51C are known to be pathogenic (PMID: 20400964, 21990120, 24800917, 29278735). This variant is present in population databases (rs754457185, gnomAD 0.05%). This variant has not been reported in the literature in individuals affected with RAD51C-related conditions. ClinVar contains an entry for this variant (Variation ID: 182845). For these reasons, this variant has been classified as Pathogenic.

Ambry Genetics
Classification: Pathogenic for Hereditary cancer-predisposing syndrome. Last evaluated: 2025-07-28. Review status: criteria provided, single submitter. Criteria: Ambry Variant Classification Scheme 2023. Collection method: clinical testing. Allele origin: germline.
Comment: The c.394dupA pathogenic mutation, located in coding exon 2 of the RAD51C gene, results from a duplication of A at nucleotide position 394, causing a translational frameshift with a predicted alternate stop codon (p.T132Nfs*23). This alteration was identified in 1/10030 consecutive patients referred for evaluation by an NGS hereditary cancer panel (Susswein LR et al. Genet. Med. 2016 08;18:823-32) and in a cohort of Chinese individuals diagnosed with breast cancer undergoing multigene panel testing (Wang YA et al. BMC Cancer. 2018 03;18:315). In addition to the clinical data presented in the literature, this alteration is expected to result in loss of function by premature protein truncation or nonsense-mediated mRNA decay. As such, this alteration is interpreted as a disease-causing mutation.

Center for Genomic Medicine, Rigshospitalet, Copenhagen University Hospital
Classification: Pathogenic. Last evaluated: 2025-03-04. Review status: criteria provided, single submitter. Criteria: ACMG Guidelines, 2015. Collection method: clinical testing. Allele origin: germline.

Myriad Genetics, Inc.
Classification: Pathogenic for Breast-ovarian cancer, familial, susceptibility to, 3. Last evaluated: 2024-01-02. Review status: criteria provided, single submitter. Criteria: Myriad Autosomal Dominant, Autosomal Recessive and X-Linked Classification Criteria (2023). Collection method: clinical testing. Allele origin: unknown.
Comment: This variant is considered pathogenic. This variant creates a frameshift predicted to result in premature protein truncation.

Baylor Genetics
Classification: Pathogenic for Breast-ovarian cancer, familial, susceptibility to, 3. Last evaluated: 2023-10-16. Review status: criteria provided, single submitter. Criteria: ACMG Guidelines, 2015. Collection method: clinical testing. Allele origin: unknown.

Fulgent Genetics
Classification: Pathogenic for Fanconi anemia complementation group O; Breast-ovarian cancer, familial, susceptibility to, 3. Last evaluated: 2022-01-07. Review status: criteria provided, single submitter. Criteria: ACMG Guidelines, 2015. Collection method: clinical testing. Allele origin: unknown.

Sema4
Classification: Pathogenic for Hereditary cancer-predisposing syndrome. Last evaluated: 2021-07-21. Review status: criteria provided, single submitter. Criteria: Sema4 Curation Guidelines. Collection method: curation. Allele origin: germline.
Comment: The RAD51C c.394dupA (p.T132NfsX23) variant has been reported in heterozygosity in multiple individuals with a personal and/or family history of breast and ovarian cancer (PMID: 33471991, 26681312, 29566657, 32068069, 30949688, 33858678). This variant causes a frameshift at amino acid 132 that results in premature termination 23 amino acids downstream. This variant is predicted to cause loss of normal protein function either through protein truncation or nonsense-mediated mRNA decay. Loss of function variants in RAD51C are known to be pathogenic (PMID: 20400964). This variant was observed in 10/19860 chromosomes in the East Asian population, with no homozygotes, according to the Genome Aggregation Database (PMID: 32461654). This variant has been reported in ClinVar (Variation ID: 182845). Based on the current evidence available, this variant is interpreted as pathogenic.

Color Diagnostics, LLC DBA Color Health
Classification: Pathogenic for Hereditary cancer-predisposing syndrome. Last evaluated: 2021-04-22. Review status: criteria provided, single submitter. Criteria: ACMG Guidelines, 2015. Collection method: clinical testing. Allele origin: germline.
Comment: This variant inserts 1 nucleotide in exon 2 of the RAD51C gene, creating a frameshift and premature translation stop signal. This variant is expected to result in an absent or non-functional protein product. This variant has been reported in individuals affected with breast cancer (PMID: 26681312, 29566657). This variant has been identified in 10/279660 chromosomes in the general population by the Genome Aggregation Database (gnomAD). Loss of RAD51C function is a known mechanism of disease. Based on the available evidence, this variant is classified as Pathogenic.

GeneDx
Classification: Pathogenic. Last evaluated: 2020-02-06. Review status: criteria provided, single submitter. Criteria: GeneDx Variant Classification Process June 2021. Collection method: clinical testing. Allele origin: germline. Affected: yes.
Comment: Frameshift variant predicted to result in protein truncation or nonsense mediated decay in a gene for which loss-of-function is a known mechanism of disease; Observed in individuals with a personal and/or family history of breast, ovarian, and other cancer (Wang 2018, Li 2019); Not observed at a significant frequency in large population cohorts (Lek 2016); This variant is associated with the following publications: (PMID: 26681312, 29566657, 30949688, 32068069)

Juno Genomics, Hangzhou Juno Genomics, Inc
Classification: Pathogenic for Breast-ovarian cancer, familial, susceptibility to, 3. Review status: criteria provided, single submitter. Criteria: ACMG Guidelines, 2015. Collection method: clinical testing. Allele origin: germline.
Comment: Absent from controls (or at extremely low frequency if recessive) in Genome Aggregation Database.;Null variant in a gene where loss of function (LOF) is a known mechanism of disease.;The prevalence of the variant in affected individuals is significantly increased compared to the prevalence in controls.

Department of Pathology and Laboratory Medicine, Sinai Health System
Classification: Pathogenic for Malignant tumor of breast. Review status: no assertion criteria provided. Collection method: clinical testing. Allele origin: unknown. Affected: yes. Study: The Canadian Open Genetics Repository (COGR). Not counted in ClinVar's aggregate classification.
Comment: The RAD51C p.Thr132AsnfsX23 variant was not identified in the literature nor was it identified in the Cosmic or LOVD 3.0 databases. The variant was identified in dbSNP (ID: rs730881940) as â€šÃ„ÃºWith Pathogenic alleleâ€šÃ„Ã¹, in ClinVar (classified as pathogenic by GeneDx, Invitae, Ambry Genetics and Color Genomics). The variant was not identified in the following control databases: the 1000 Genomes Project, the NHLBI GO Exome Sequencing Project, the Exome Aggregation Consortium (August 8th 2016), or the Genome Aggregation Database (Feb 27, 2017). The c.394dup variant is predicted to cause a frameshift, which alters the protein's amino acid sequence beginning at codon 132 and leads to a premature stop codon at position 154. This alteration is then predicted to result in a truncated or absent protein and loss of function. Loss of function variants of the RAD51C gene are an established mechanism of disease in RAD51C associated cancers and is the type of variant expected to cause the disorder. In summary, based on the above information this variant meets our laboratoryâ€šÃ„Ã´s criteria to be classified as pathogenic.

Literature cited by the submitters: PubMed 20400964 (cited by Labcorp Genetics (formerly Invitae), Labcorp and Sema4); PubMed 21990120 (cited by Labcorp Genetics (formerly Invitae), Labcorp); PubMed 24800917 (cited by Labcorp Genetics (formerly Invitae), Labcorp); PubMed 29278735 (cited by Labcorp Genetics (formerly Invitae), Labcorp); PubMed 26681312 (cited by Ambry Genetics and Sema4); PubMed 29566657 (cited by Ambry Genetics and Sema4); PubMed 32068069 (cited by Center for Genomic Medicine, Rigshospitalet, Copenhagen University Hospital and Sema4); PubMed 38355628 (cited by Center for Genomic Medicine, Rigshospitalet, Copenhagen University Hospital); PubMed 33471991 (cited by Sema4); PubMed 30949688 (cited by Sema4); PubMed 33858678 (cited by Sema4).

NM_058216.3(RAD51C):c.394dup (p.Thr132fs)

Gene: RAD51C (RAD51 paralog C; plus strand). Cytogenetic location: 17q22.
Variant type: Duplication.
Coding change: c.394dup on transcript NM_058216.3 (MANE Select); coding-DNA position 394, one base duplicated (A; older notation c.394dupA).
Protein change: p.Thr132fs; shifts the reading frame from threonine 132.
Molecular consequence: frameshift variant. On other transcripts: non-coding transcript variant (2).
Genome position (GRCh38, 1-based): chr17:58,695,179, A duplicated; the last of 5 consecutive A bases (chr17:58,695,175-58,695,179); duplicating any one gives the same sequence. VCF-style (leftmost placement, unchanged base first): chr17-58695174-G-GA. GRCh37 (hg19) VCF-style: chr17-56772535-G-GA.
Other names: c.394dupA (NM_058216.1, NM_058216.3); c.394dup (NM_058216.2); c.394dup, p.Thr132fs (NM_002876.4); short protein forms T132fs.
Identifiers: ClinVar variation 182845 (VCV000182845.27), dbSNP rs730881940, ClinGen allele CA299907.